The following is an entry in ClinVar:

ClinVar aggregate classification (germline): Pathogenic (1 of 4 stars; one submission).

Conditions:
Dilated cardiomyopathy 1KK (CMD1KK). Identifiers: Orphanet 154, Orphanet 75249, MedGen C3714995, MONDO:0014100, OMIM 615248.

Submission:

Labcorp Genetics (formerly Invitae), Labcorp
Classification: Pathogenic for Dilated cardiomyopathy 1KK. Last evaluated: 2022-02-05. Review status: criteria provided, single submitter. Criteria: Invitae Variant Classification Sherloc (09022015). Collection method: clinical testing. Allele origin: germline.
Comment: For these reasons, this variant has been classified as Pathogenic. This variant has not been reported in the literature in individuals affected with MYPN-related conditions. This variant is not present in population databases (gnomAD no frequency). This sequence change creates a premature translational stop signal (p.Lys575Asnfs*9) in the MYPN gene. It is expected to result in an absent or disrupted protein product. Loss-of-function variants in MYPN are known to be pathogenic (PMID: 28017374).

Literature cited by the submitters: PubMed 28017374.

NM_032578.4(MYPN):c.1722del (p.Lys575fs)

Gene: MYPN (myopalladin; plus strand). Cytogenetic location: 10q21.3.
Variant type: Deletion.
Coding change: c.1722del on transcript NM_032578.4 (MANE Select); coding-DNA position 1722, one base deleted (C; older notation c.1722delC).
Protein change: p.Lys575fs; shifts the reading frame from lysine 575.
Molecular consequence: frameshift variant. On other transcripts: non-coding transcript variant (2).
Genome position (GRCh38, 1-based): chr10:68,166,415, C deleted; the last of 6 consecutive C bases (chr10:68,166,410-68,166,415); deleting any one gives the same sequence. VCF-style (leftmost placement, unchanged base first): chr10-68166409-AC-A. GRCh37 (hg19) VCF-style: chr10-69926166-AC-A.
Other names: c.1722del, p.Lys575fs (NM_001256267.2); c.840del, p.Lys281fs (NM_001256268.2); short protein forms K281fs, K575fs.
Identifiers: ClinVar variation 1354074 (VCV001354074.6), dbSNP rs2134168183, ClinGen allele CA645545847.
Genomic context (GRCh38, chr10:68,166,409, plus strand): 5'-CCTGGCAGCTATTGAGCCACAGCCCTCCCCACCCCACTCAGAGCCTCCATCTGTGGAACA[AC>A]CCCCCAAACCCAAACTCGAGGGGGTTCTGGTGAACCACAATGAGCCCCGGTCCAGCTCCA-3'